The following is an entry in ClinVar:

ClinVar aggregate classification (germline): Conflicting classifications of pathogenicity. Review status: criteria provided, conflicting classifications (1 of 4 stars). 3 submissions from 3 submitters: Uncertain significance (2); Likely benign (1). Last evaluated 2026-01-26.

Conditions:
Cardiovascular phenotype. Identifiers: MedGen CN230736.
Long QT syndrome (LQTS). Identifiers: MedGen C0023976, MeSH D008133, MONDO:0002442. Disease mechanism: loss of function. Inheritance: Various modes of inheritance.
CACNA1C-related disorder. Also called: CACNA1C-related condition; CACNA1C-related disorders. Identifiers: MedGen CN381092, MONDO:0700321.

Allele frequency attached by ClinVar (database versions not stated): ExAC 0.00001; gnomAD 0.00001; TOPMed 0.00002; gnomAD exomes 0.00001.
gnomAD v4.1: 22 of 1,613,768 alleles (0.0014%); highest among the groups gnomAD compares: Middle Eastern, 0.016%; no homozygotes.

Submissions (3):

PreventionGenetics, part of Exact Sciences
Classification: Uncertain significance for CACNA1C-related condition. Last evaluated: 2026-01-26. Review status: criteria provided, single submitter. Criteria: ACMG Guidelines, 2015. Collection method: clinical testing. Allele origin: germline.
Comment: The CACNA1C c.5905G>A variant is predicted to result in the amino acid substitution p.Val1969Ile. To our knowledge, this variant has not been reported in the literature. This variant is reported in 0.0093% of alleles in individuals of European (Finnish) descent in gnomAD. At this time, the clinical significance of this variant is uncertain due to the absence of conclusive functional and genetic evidence.

Labcorp Genetics (formerly Invitae), Labcorp
Classification: Uncertain significance for Long QT syndrome. Last evaluated: 2025-12-27. Review status: criteria provided, single submitter. Criteria: Invitae Variant Classification Sherloc (09022015). Collection method: clinical testing. Allele origin: germline.
Comment: This sequence change replaces valine, which is neutral and non-polar, with isoleucine, which is neutral and non-polar, at codon 1969 of the CACNA1C protein (p.Val1969Ile). This variant is present in population databases (rs748408098, gnomAD 0.009%). This variant has not been reported in the literature in individuals affected with CACNA1C-related conditions. ClinVar contains an entry for this variant (Variation ID: 519546). Invitae Evidence Modeling of protein sequence and biophysical properties (such as structural, functional, and spatial information, amino acid conservation, physicochemical variation, residue mobility, and thermodynamic stability) indicates that this missense variant is not expected to disrupt CACNA1C protein function with a negative predictive value of 95%. In summary, the available evidence is currently insufficient to determine the role of this variant in disease. Therefore, it has been classified as a Variant of Uncertain Significance.

Ambry Genetics
Classification: Likely benign for Cardiovascular phenotype. Last evaluated: 2017-12-12. Review status: criteria provided, single submitter. Criteria: Ambry Variant Classification Scheme 2023. Collection method: clinical testing. Allele origin: germline.

NM_000719.7(CACNA1C):c.5905G>A (p.Val1969Ile)

Genes: CACNA1C (calcium voltage-gated channel subunit alpha1 C; plus strand), CACNA1C-AS1 (CACNA1C antisense RNA 1; minus strand). Cytogenetic location: 12p13.33.
Variant type: single nucleotide variant.
Coding change: c.5905G>A on transcript NM_000719.7 (MANE Select); coding-DNA position 5905, G replaced by A.
Protein change: p.Val1969Ile; replaces valine 1969 with isoleucine.
Molecular consequence: missense variant.
Genome position (GRCh38, 1-based): chr12:2,688,567, G>A. VCF-style: chr12-2688567-G-A. GRCh37 (hg19) VCF-style: chr12-2797733-G-A.
Other names: c.5905G>A, p.Val1969Ile (NM_001129841.2, NM_001129842.2, NM_001129843.2 and 2 more transcripts); c.5896G>A, p.Val1966Ile (NM_001129844.2); c.5872G>A, p.Val1958Ile (NM_001129846.2); c.6010G>A, p.Val2004Ile (NM_001167624.3, NM_001129830.3); c.6085G>A, p.Val2029Ile (NM_001167625.2); c.6154G>A, p.Val2052Ile (NM_199460.4); c.6049G>A, p.Val2017Ile (NM_001129827.2); c.6028G>A, p.Val2010Ile (NM_001129829.2); and 6 more; short protein forms V1969I, V2004I, V2017I, V1986I, V2010I, V1975I, V1989I, V1997I.
Identifiers: ClinVar variation 519546 (VCV000519546.10), dbSNP rs748408098, ClinGen allele CA6390023.